The following is an entry in ClinVar:

ClinVar aggregate classification (germline): Uncertain significance (1 of 4 stars; one submission).

Conditions:
Marfan syndrome (MFS). Also called: MARFAN SYNDROME, TYPE I; Marfan syndrome type 1; Marfan's syndrome; Marfan syndrome, classic; FBN1-Related Marfan Syndrome. Identifiers: Orphanet 284963, Orphanet 558, MedGen C0024796, MONDO:0007947, OMIM 154700.

Allele frequency attached by ClinVar (database versions not stated): gnomAD exomes below 0.00001.
gnomAD v4.1: 1 of 1,612,010 alleles (0.000062%); highest among the groups gnomAD compares: Non-Finnish European, 0.000085%; no homozygotes.

Submission:

All of Us Research Program, National Institutes of Health
Classification: Uncertain significance for Marfan syndrome. Last evaluated: 2023-05-04. Review status: criteria provided, single submitter. Criteria: ACMG Guidelines, 2015. Collection method: clinical testing. Allele origin: germline. Inheritance: Autosomal dominant inheritance. Observed: 1 variant allele, 1 heterozygote.
Comment: This missense variant replaces glutamic acid with aspartic acid at codon 2417 of the FBN1 protein. Computational prediction suggests that this variant may not impact protein structure and function (internally defined REVEL score threshold <= 0.5, PMID: 27666373). To our knowledge, functional studies have not been reported for this variant. This variant has not been reported in individuals affected with FBN1-related disorders in the literature. This variant has not been identified in the general population by the Genome Aggregation Database (gnomAD). The available evidence is insufficient to determine the role of this variant in disease conclusively. Therefore, this variant is classified as a Variant of Uncertain Significance.

This study involves interpretation of variants in research participants for the purpose of population health screening. Participant phenotype was not available at the time of variant classification. Additional details can be found in publication PMID: 35346344, PMCID: PMC8962531

NM_000138.5(FBN1):c.7251A>C (p.Glu2417Asp)

Gene: FBN1 (fibrillin 1; minus strand). Cytogenetic location: 15q21.1.
Variant type: single nucleotide variant.
Coding change: c.7251A>C on transcript NM_000138.5 (MANE Select); coding-DNA position 7251, A replaced by C.
Protein change: p.Glu2417Asp; replaces glutamic acid 2417 with aspartic acid.
Molecular consequence: missense variant.
Genome position (GRCh38, 1-based): chr15:48,425,818, T>G on the plus strand (A>C on the coding strand, the complement: FBN1 is on the minus strand). VCF-style: chr15-48425818-T-G. GRCh37 (hg19) VCF-style: chr15-48718015-T-G.
Other names: c.7251A>C, p.Glu2417Asp (NM_001406716.1); short protein forms E2417D.
Identifiers: ClinVar variation 3070691 (VCV003070691.1), dbSNP rs2505408188, ClinGen allele CA392328755.